The following is an entry in ClinVar:

ClinVar aggregate classification (germline): Pathogenic/Likely pathogenic. Review status: criteria provided, multiple submitters, no conflicts (2 of 4 stars). 12 submissions from 12 submitters: Pathogenic (4); Likely pathogenic (5). 3 of the submissions do not count toward it. Last evaluated 2026-10-15.

Conditions:
Autosomal recessive ERCC3-related disorders.
ERCC3-related disorder. Also called: ERCC3-related condition.
Xeroderma pigmentosum group B. Also called: XP, GROUP B; XPB/CS; XERODERMA PIGMENTOSUM B/COCKAYNE SYNDROME; ERCC3-Related Xeroderma Pigmentosum. Identifiers: MedGen C0268136, MONDO:0012531, OMIM 610651.
Trichothiodystrophy 2, photosensitive (TTD2). Identifiers: Orphanet 33364, MedGen C4225344, MONDO:0014615, OMIM 616390.
Xeroderma pigmentosum (XP). Identifiers: Orphanet 910, MedGen C0043346, MONDO:0019600.

Allele frequency attached by ClinVar (database versions not stated): gnomAD 0.00006 and 0.00007; TOPMed 0.00006; ExAC 0.00007; gnomAD exomes 0.00008 and 0.00010; ESP Exome Variant Server 0.00040.

Submissions (12):

GeneDx
Classification: Likely pathogenic. Last evaluated: 2026-10-15. Review status: criteria provided, single submitter. Criteria: GeneDx Variant Classification Process June 2021. Collection method: clinical testing. Allele origin: germline.
Comment: Also known as c.1421_1422insA; Frameshift variant predicted to result in protein truncation or nonsense mediated decay in a gene for which loss of function is a known mechanism of disease; This variant is associated with the following publications: (PMID: 26971583, 27356891, 31589614, 30414346, 29625052, 39742368, 34308104, 36493725, 24728327, 36451132, 16947863, 39794353, 39330991, 28125078, 30680046, 36947458, 29907799, 41487526)

Labcorp Genetics (formerly Invitae), Labcorp
Classification: Pathogenic. Last evaluated: 2025-12-30. Review status: criteria provided, single submitter. Criteria: Invitae Variant Classification Sherloc (09022015). Collection method: clinical testing. Allele origin: germline.
Comment: This sequence change creates a premature translational stop signal (p.Asp474Glufs*2) in the ERCC3 gene. It is expected to result in an absent or disrupted protein product. Loss-of-function variants in ERCC3 are known to be pathogenic (PMID: 16947863). This variant is present in population databases (rs587778281, gnomAD 0.01%). This premature translational stop signal has been observed in individual(s) with xeroderma pigmentosa (PMID: 16947863). ClinVar contains an entry for this variant (Variation ID: 134130). For these reasons, this variant has been classified as Pathogenic.

CeGaT Center for Human Genetics Tuebingen
Classification: Likely pathogenic. Last evaluated: 2025-10-01. Review status: criteria provided, single submitter. Criteria: CeGaT Center For Human Genetics Tuebingen Variant Classification Criteria Version 2. Collection method: clinical testing. Allele origin: germline. Affected: yes. Observed: 4 variant alleles.
Comment: ERCC3: PVS1, PM2:Supporting

Variantyx, Inc.
Classification: Likely pathogenic for Autosomal recessive ERCC3-related disorders. Last evaluated: 2025-04-10. Review status: criteria provided, single submitter. Criteria: Variantyx Assertion Criteria 2022. Collection method: clinical testing. Allele origin: germline. Inheritance: Autosomal recessive inheritance. Affected: no.
Comment: This is a frameshift variant in the ERCC3 gene (OMIM: 133510). Pathogenic variants in this gene have been associated with autosomal recessive ERCC3-related disorders. This variant introduces a premature termination codon in exon 9 out of 15and is expected to result in loss of function, which is a known disease mechanism for ERCC3 in this disorder (PMID: 16947863) (PVS1). It has been reported in at least one affected individual who carried a second variant in this gene; however, the phase of these variants could not be determined (PMID: 16947863). This variant has a 0.0129% maximum allele frequency in non-founder control populations (PM2). Based on the current evidence, this variant is classified as likely pathogenic for autosomal recessive ERCC3-related disorders.

Blueprint Genetics
Classification: Likely pathogenic for ERCC3-related disorders. Last evaluated: 2024-11-08. Review status: criteria provided, single submitter. Criteria: ACMG Guidelines, 2015. Collection method: clinical testing. Allele origin: germline. Affected: yes. Observed: 5 variant alleles.

Revvity Omics, Revvity
Classification: Pathogenic. Last evaluated: 2023-05-25. Review status: criteria provided, single submitter. Criteria: ACMG Guidelines, 2015. Collection method: clinical testing. Allele origin: germline.

Sema4
Classification: Pathogenic for Xeroderma pigmentosum. Last evaluated: 2022-02-23. Review status: criteria provided, single submitter. Criteria: Sema4 Curation Guidelines. Collection method: curation. Allele origin: germline.
Comment: The ERCC3 c.1421dupA (p.D474EfsX2) variant has been reported in individuals with xeroderma pigmentosum and Cockayne syndrome, sarcoma, melanoma and uterine carcinoma (PMID: 16947863, 29625052, 30414346). This variant causes a frameshift at amino acid 474 that results in premature termination 2 amino acids downstream. This variant is predicted to cause loss of normal protein function either through protein truncation or nonsense-mediated mRNA decay. Loss of function of the ERCC3 gene is an established disease mechanism in xeroderma pigmentosum group B. It was observed in 18/129082 chromosomes of the Non-Finnish European subpopulation in the large and broad cohorts of the Genome Aggregation Database (PMID: 32461654). The variant has been reported in ClinVar (Variation ID 134130). Based on the current evidence available, this variant is interpreted as pathogenic.

Fulgent Genetics
Classification: Likely pathogenic for Xeroderma pigmentosum group B; Trichothiodystrophy 2, photosensitive. Last evaluated: 2022-02-08. Review status: criteria provided, single submitter. Criteria: ACMG Guidelines, 2015. Collection method: clinical testing. Allele origin: unknown.

Centre for Mendelian Genomics, University Medical Centre Ljubljana
Classification: Pathogenic for Xeroderma pigmentosum group B. Last evaluated: 2019-10-08. Review status: criteria provided, single submitter. Criteria: ACMG Guidelines, 2015. Collection method: clinical testing. Allele origin: unknown. Affected: yes.
Comment: This variant was classified as: Pathogenic. The following ACMG criteria were applied in classifying this variant: PVS1,PM2,PP5.

PreventionGenetics, part of Exact Sciences
Classification: Pathogenic for ERCC3-related condition. Last evaluated: 2024-05-16. Review status: no assertion criteria provided. Collection method: clinical testing. Allele origin: germline. Not counted in ClinVar's aggregate classification.
Comment: The ERCC3 c.1421dupA variant is predicted to result in a frameshift and premature protein termination (p.Asp474Glufs*2). This variant has been reported in an individual with xeroderma pigmentosum/Cockayne syndrome (Oh et al. 2006. PubMed ID: 16947863). This variant has also been reported in multiple individuals with various cancers including colorectal, endometrial, melanoma, and leukemia (Table 2, Dobbins et al. 2016. PubMed ID: 27356891; Table S1, Huang et al. 2018. PubMed ID: 29625052; Table 2, Potjer et al. 2019. PubMed ID: 30414346; Table S2, Kim et al. 2021. PubMed ID: 34308104). This variant is reported in 0.014% of alleles in individuals of European (non-Finnish) descent in gnomAD and it has been classified as pathogenic/likely pathogenic by other institutions in the ClinVar database. An in vitro experimental study suggests this variant affects DNA repair mechanisms (Figure 2, Oh et al. 2006. PubMed ID: 16947863). Frameshift variants in ERCC3 are expected to be pathogenic. This variant is interpreted as pathogenic.

ITMI
No classification provided. Condition: AllHighlyPenetrant. Last evaluated: 2013-09-19. Review status: no classification provided. Collection method: reference population. Allele origin: germline. Not counted in ClinVar's aggregate classification.
Comment: Please see associated publication for description of ethnicities

OMIM
Classification: Pathogenic for XERODERMA PIGMENTOSUM B/COCKAYNE SYNDROME. Last evaluated: 2006-11-01. Review status: no assertion criteria provided. Collection method: literature only. Allele origin: germline. Not counted in ClinVar's aggregate classification.

Literature cited by the submitters: PubMed 16947863 (cited by 4 submitters); PubMed 29625052 (cited by Sema4); PubMed 30414346 (cited by Sema4); PubMed 24728327 (cited by ITMI).

NM_000122.2(ERCC3):c.1421dup (p.Asp474fs)

Gene: ERCC3 (ERCC excision repair 3, TFIIH core complex helicase subunit; minus strand). Cytogenetic location: 2q14.3.
Variant type: Duplication.
Coding change: c.1421dup on transcript NM_000122.2 (MANE Select); coding-DNA position 1421, one base duplicated (A; older notation c.1421dupA).
Protein change: p.Asp474fs; shifts the reading frame from aspartic acid 474.
Molecular consequence: frameshift variant.
Genome position (GRCh38, 1-based): chr2:127,280,553, T duplicated on the plus strand (A on the coding strand, the reverse complement: ERCC3 is on the minus strand). VCF-style (leftmost placement, unchanged base first): chr2-127280552-A-AT. GRCh37 (hg19) VCF-style: chr2-128038128-A-AT.
Other names: c.1229dup, p.Asp410fs (NM_001303416.2, NM_001303418.2); c.1421dupA (NM_000122.1); short protein forms D474fs, D410fs.
Identifiers: ClinVar variation 134130 (VCV000134130.64), dbSNP rs587778281, ClinGen allele CA158854.